The following is an entry in ClinVar:

ClinVar aggregate classification (germline): Pathogenic/Likely pathogenic. Review status: criteria provided, multiple submitters, no conflicts (2 of 4 stars). 2 submissions from 2 submitters: Pathogenic (1); Likely pathogenic (1). Last evaluated 2024-10-02.

Conditions:
Polycystic kidney disease 4 (PKD4). Also called: POLYCYSTIC KIDNEY DISEASE 4 WITH OR WITHOUT POLYCYSTIC LIVER DISEASE; PKD3; POLYCYSTIC KIDNEY AND HEPATIC DISEASE 1; POLYCYSTIC KIDNEY DISEASE, INFANTILE, TYPE I; Autosomal Recessive Polycystic Kidney Disease – PKHD1. Identifiers: MedGen C4540575, MONDO:0033004, OMIM 263200.
Autosomal recessive polycystic kidney disease (ARPKD). Also called: AR polycystic kidney disease. Identifiers: Orphanet 731, Orphanet 8378, MedGen C0085548, MeSH D017044, MONDO:0009889.

Allele frequency attached by ClinVar (database versions not stated): gnomAD exomes below 0.00001.
gnomAD v4.1: 2 of 1,613,812 alleles (0.00012%); no homozygotes.

Submissions (2):

Natera, Inc.
Classification: Likely pathogenic for Autosomal recessive polycystic kidney disease. Last evaluated: 2024-10-02. Review status: criteria provided, single submitter. Criteria: Natera Variant Classification Schema (03/2026). Collection method: clinical testing. Allele origin: germline.
Comment: The c.11287C>T variant in PKHD1 is a nonsense variant predicted to introduce a stop codon at amino acid 3763. This variant is expected to result in nonsense mediated decay, truncation, or a dysfunctional protein product. This variant is rare in the general population with a frequency below the threshold expected for the associated phenotype(s). Given the available evidence, this variant is classified as Likely Pathogenic.

Victorian Clinical Genetics Services, Murdoch Childrens Research Institute
Classification: Pathogenic for Polycystic kidney disease 4. Last evaluated: 2023-07-17. Review status: criteria provided, single submitter. Criteria: ACMG Guidelines, 2015. Collection method: clinical testing. Allele origin: germline. Inheritance: Autosomal recessive inheritance. Affected: yes.
Comment: Based on the classification scheme VCGS_Germline_v1.3.4, this variant is classified as Pathogenic. Following criteria are met: 0102 - Loss of function is a known mechanism of disease in this gene and is associated with polycystic kidney disease 4, with or without hepatic disease (MIM#263200). (I) 0106 - This gene is associated with autosomal recessive disease. (I) 0115 - Variants in this gene are known to have variable expressivity. There is significant intrafamilial severity variability (GeneReviews). (I) 0201 - Variant is predicted to cause nonsense-mediated decay (NMD) and loss of protein (premature termination codon is located at least 54 nucleotides upstream of the final exon-exon junction). (SP) 0251 - This variant is heterozygous. (I) 0304 - Variant is present in gnomAD <0.01 for a recessive condition (v2: 1 heterozygote, 0 homozygotes). (SP) 0701 - Other variants predicted to cause NMD comparable to the one identified in this case have very strong previous evidence for pathogenicity (DECIPHER). (SP) 0807 - This variant has no previous evidence of pathogenicity. (I) 0905 - No published segregation evidence has been identified for this variant. (I) 1007 - No published functional evidence has been identified for this variant. (I) 1102 - Strong phenotype match for this individual. (I) Legend: (SP) - Supporting pathogenic, (I) - Information, (SB) - Supporting benign

NM_138694.4(PKHD1):c.11287C>T (p.Gln3763Ter)

Gene: PKHD1 (PKHD1 ciliary IPT domain containing fibrocystin/polyductin; minus strand). Cytogenetic location: 6p12.3.
Variant type: single nucleotide variant.
Coding change: c.11287C>T on transcript NM_138694.4 (MANE Select); coding-DNA position 11287, C replaced by T.
Protein change: p.Gln3763Ter; replaces glutamine 3763 with a stop codon.
Molecular consequence: nonsense.
Genome position (GRCh38, 1-based): chr6:51,649,108, G>A on the plus strand (C>T on the coding strand, the complement: PKHD1 is on the minus strand). VCF-style: chr6-51649108-G-A. GRCh37 (hg19) VCF-style: chr6-51513906-G-A.
Other names: short protein forms Q3763*.
Identifiers: ClinVar variation 3254870 (VCV003254870.2), dbSNP rs1217318105.
Genomic context (GRCh38, chr6:51,649,108, plus strand): 5'-AGCTCTAAAGACAGATTTGTTACCTGTGAAAAGTTACCTGCTCATCCAAAAATACCAATT[G>A]TGGCTGCACTGGAAGCTCATTTCCCACTTCTCCATCTGAAGGCTGGACTAGGATGGAAAG-3'